The following is an entry in ClinVar:

NM_002878.4(RAD51D):c.883C>G (p.Leu295Val)

Genes: RAD51L3-RFFL (RAD51L3-RFFL readthrough; minus strand), RAD51D (RAD51 paralog D; minus strand). Cytogenetic location: 17q12.
Variant type: single nucleotide variant.
Coding change: c.883C>G on transcript NM_002878.4 (MANE Select); coding-DNA position 883, C replaced by G.
Protein change: p.Leu295Val; replaces leucine 295 with valine.
Molecular consequence: missense variant. On other transcripts: non-coding transcript variant (3).
Genome position (GRCh38, 1-based): chr17:35,101,221, G>C on the plus strand (C>G on the coding strand, the complement: RAD51D is on the minus strand). VCF-style: chr17-35101221-G-C. GRCh37 (hg19) VCF-style: chr17-33428240-G-C.
Other names: c.943C>G, p.Leu315Val (NM_001142571.2); c.547C>G, p.Leu183Val (NM_133629.3); short protein forms L295V, L183V, L315V.
Identifiers: ClinVar variation 410562 (VCV000410562.27), dbSNP rs752910287, ClinGen allele CA8499328.

ClinVar aggregate classification (germline): Uncertain significance. Review status: criteria provided, multiple submitters, no conflicts (2 of 4 stars). 10 submissions from 10 submitters: Uncertain significance (10). Last evaluated 2025-10-27.

Conditions:
Hereditary cancer-predisposing syndrome. Also called: Tumor predisposition; Hereditary Cancer Syndrome; Hereditary neoplastic syndrome; Neoplastic Syndromes, Hereditary. Identifiers: Orphanet 140162, MedGen C0027672, MeSH D009386, MONDO:0015356.
Breast-ovarian cancer, familial, susceptibility to, 4. Identifiers: Orphanet 145, MedGen C3280345, MONDO:0013669, OMIM 614291.
Familial ovarian cancer. Identifiers: MedGen C5679802, MONDO:0016248.

Allele frequency attached by ClinVar (database versions not stated): gnomAD exomes below 0.00001; ExAC 0.00001.
gnomAD v4.1: 3 of 1,614,156 alleles (0.00019%); highest among the groups gnomAD compares: Non-Finnish European, 0.00017%; no homozygotes.

Submissions (10):

Ambry Genetics
Classification: Uncertain significance for Hereditary cancer-predisposing syndrome. Last evaluated: 2025-10-27. Review status: criteria provided, single submitter. Criteria: Ambry Variant Classification Scheme 2023. Collection method: clinical testing. Allele origin: germline.
Comment: The p.L295V variant (also known as c.883C>G), located in coding exon 9 of the RAD51D gene, results from a C to G substitution at nucleotide position 883. The leucine at codon 295 is replaced by valine, an amino acid with highly similar properties. This amino acid position is highly conserved in available vertebrate species. In addition, this alteration is predicted to be tolerated by in silico analysis. Since supporting evidence is limited at this time, the clinical significance of this alteration remains unclear.

Labcorp Genetics (formerly Invitae), Labcorp
Classification: Uncertain significance for Breast-ovarian cancer, familial, susceptibility to, 4. Last evaluated: 2025-09-16. Review status: criteria provided, single submitter. Criteria: Invitae Variant Classification Sherloc (09022015). Collection method: clinical testing. Allele origin: germline.
Comment: This sequence change replaces leucine, which is neutral and non-polar, with valine, which is neutral and non-polar, at codon 295 of the RAD51D protein (p.Leu295Val). This variant is present in population databases (rs752910287, gnomAD no frequency). This variant has not been reported in the literature in individuals affected with RAD51D-related conditions. ClinVar contains an entry for this variant (Variation ID: 410562). Invitae Evidence Modeling of protein sequence and biophysical properties (such as structural, functional, and spatial information, amino acid conservation, physicochemical variation, residue mobility, and thermodynamic stability) indicates that this missense variant is not expected to disrupt RAD51D protein function with a negative predictive value of 80%. In summary, the available evidence is currently insufficient to determine the role of this variant in disease. Therefore, it has been classified as a Variant of Uncertain Significance.

Quest Diagnostics Nichols Institute San Juan Capistrano
Classification: Uncertain significance. Last evaluated: 2025-08-05. Review status: criteria provided, single submitter. Criteria: Quest Diagnostics criteria. Collection method: clinical testing. Allele origin: unknown.
Comment: The RAD51D c.883C>G (p.Leu295Val) variant has not been reported in individuals with RAD51D-related conditions in the published literature. The frequency of this variant in the general population (Genome Aggregation Database) is uninformative in the assessment of its pathogenicity. Analysis of this variant using bioinformatics tools for the prediction of the effect of amino acid changes on protein structure and function yielded conflicting predictions that this variant is benign or damaging. Based on the available information, we are unable to determine the clinical significance of this variant.

Molecular Pathology, Peter Maccallum Cancer Centre
Classification: Uncertain significance for Familial ovarian cancer. Last evaluated: 2025-01-03. Review status: criteria provided, single submitter. Criteria: ACMG Guidelines, 2015. Collection method: clinical testing. Allele origin: germline. Inheritance: Autosomal dominant inheritance.

Department of Pathology and Laboratory Medicine, Sinai Health System
Classification: Uncertain significance for Breast-ovarian cancer, familial, susceptibility to, 4. Last evaluated: 2024-05-21. Review status: criteria provided, single submitter. Criteria: ACMG Guidelines, 2015. Collection method: clinical testing. Allele origin: germline. Affected: no.

Baylor Genetics
Classification: Uncertain significance for Breast-ovarian cancer, familial, susceptibility to, 4. Last evaluated: 2024-03-16. Review status: criteria provided, single submitter. Criteria: ACMG Guidelines, 2015. Collection method: clinical testing. Allele origin: unknown.

Color Diagnostics, LLC DBA Color Health
Classification: Uncertain significance for Hereditary cancer-predisposing syndrome. Last evaluated: 2024-03-06. Review status: criteria provided, single submitter. Criteria: ACMG Guidelines, 2015. Collection method: clinical testing. Allele origin: germline.
Comment: This missense variant replaces leucine with valine at codon 295 of the RAD51D protein. Computational prediction suggests that this variant may not impact protein structure and function (internally defined REVEL score threshold <= 0.5, PMID: 27666373). To our knowledge, functional studies have not been reported for this variant. This variant has not been reported in individuals affected with hereditary cancer in the literature. This variant has been identified in 1/251420 chromosomes in the general population by the Genome Aggregation Database (gnomAD). The available evidence is insufficient to determine the role of this variant in disease conclusively. Therefore, this variant is classified as a Variant of Uncertain Significance.

GeneDx
Classification: Uncertain significance. Last evaluated: 2023-07-21. Review status: criteria provided, single submitter. Criteria: GeneDx Variant Classification Process June 2021. Collection method: clinical testing. Allele origin: germline. Affected: yes.
Comment: Not observed at significant frequency in large population cohorts (gnomAD); In silico analysis supports that this missense variant does not alter protein structure/function; Has not been previously published as pathogenic or benign to our knowledge; This variant is associated with the following publications: (PMID: 21111057, 19327148, 14704354)

Mendelics
Classification: Uncertain significance. Last evaluated: 2022-05-04. Review status: criteria provided, single submitter. Criteria: Mendelics Assertion Criteria 2019. Collection method: clinical testing. Allele origin: germline.

Sema4
Classification: Uncertain significance for Hereditary cancer-predisposing syndrome. Last evaluated: 2022-03-06. Review status: criteria provided, single submitter. Criteria: Sema4 Curation Guidelines. Collection method: curation. Allele origin: germline.
Comment: The RAD51D c.883C>G (p.L295V) variant has not been reported in the literature to our knowledge. This variant was observed in 1/251420 chromosomes across all populations in the Genome Aggregation Database (PMID: 32461654). The variant has been reported in ClinVar (Variation ID: 410562). Functional studies have not been performed, and in silico predictions of the variant's effect on protein function are inconclusive. The evidence is insufficient to meet ACMG/AMP criteria for classifying the variant as benign or pathogenic. Thus, the clinical significance of this variant is currently uncertain.